The following is an entry in ClinVar:

NM_005045.4(RELN):c.7942C>T (p.Leu2648=)

Gene: RELN (reelin; minus strand). Cytogenetic location: 7q22.1.
Variant type: single nucleotide variant.
Coding change: c.7942C>T on transcript NM_005045.4 (MANE Select); coding-DNA position 7942, C replaced by T.
Protein change: p.Leu2648=; no amino-acid change (leucine 2648 retained).
Molecular consequence: synonymous variant.
Genome position (GRCh38, 1-based): chr7:103,515,362, G>A on the plus strand (C>T on the coding strand, the complement: RELN is on the minus strand). VCF-style: chr7-103515362-G-A. GRCh37 (hg19) VCF-style: chr7-103155809-G-A.
Other names: c.7942C>T, p.Leu2648= (NM_173054.3).
Identifiers: ClinVar variation 2657895 (VCV002657895.24), dbSNP rs769268341, ClinGen allele CA457029758.

ClinVar aggregate classification (germline): Uncertain significance (1 of 4 stars; one submission).

gnomAD v4.1: 4 of 1,614,118 alleles (0.00025%); highest among the groups gnomAD compares: Middle Eastern, 0.016%; no homozygotes.

Submission:

CeGaT Center for Human Genetics Tuebingen
Classification: Uncertain significance. Last evaluated: 2022-07-01. Review status: criteria provided, single submitter. Criteria: CeGaT Center For Human Genetics Tuebingen Variant Classification Criteria Version 2. Collection method: clinical testing. Allele origin: germline. Affected: yes. Observed: 1 variant allele.
Comment: RELN: PM2, BP4